The following is an entry in ClinVar:

NM_024675.4(PALB2):c.1490A>G (p.Asn497Ser)

Gene: PALB2 (partner and localizer of BRCA2; minus strand). Cytogenetic location: 16p12.2.
Variant type: single nucleotide variant.
Coding change: c.1490A>G on transcript NM_024675.4 (MANE Select); coding-DNA position 1490, A replaced by G.
Protein change: p.Asn497Ser; replaces asparagine 497 with serine.
Molecular consequence: missense variant.
Genome position (GRCh38, 1-based): chr16:23,635,056, T>C on the plus strand (A>G on the coding strand, the complement: PALB2 is on the minus strand). VCF-style: chr16-23635056-T-C. GRCh37 (hg19) VCF-style: chr16-23646377-T-C.
Other names: c.1430A>G, p.Asn477Ser (NM_001407296.1); c.1490A>G, p.Asn497Ser (NM_001407297.1, NM_001407298.1, NM_001407299.1 and 3 more transcripts); c.605A>G, p.Asn202Ser (NM_001407304.1, NM_001407305.1, NM_001407306.1 and 5 more transcripts); short protein forms N497S, N202S, N477S.
Identifiers: ClinVar variation 2056605 (VCV002056605.5), dbSNP rs1966962812, ClinGen allele CA395131096.

ClinVar aggregate classification (germline): Conflicting classifications of pathogenicity. Review status: criteria provided, conflicting classifications (1 of 4 stars). 2 submissions from 2 submitters: Uncertain significance (1); Likely benign (1). Last evaluated 2024-05-21.

Conditions:
Hereditary cancer-predisposing syndrome. Also called: Tumor predisposition; Hereditary Cancer Syndrome; Neoplastic Syndromes, Hereditary; Hereditary neoplastic syndrome. Identifiers: Orphanet 140162, MedGen C0027672, MeSH D009386, MONDO:0015356.
Familial cancer of breast. Also called: hereditary breast carcinoma; BREAST CANCER, FAMILIAL; Hereditary breast cancer. Identifiers: Orphanet 227535, MedGen C0346153, MONDO:0016419, OMIM 114480. Disease mechanism: loss of function.

Allele frequency attached by ClinVar (database versions not stated): gnomAD exomes below 0.00001.
gnomAD v4.1: 1 of 1,614,180 alleles (0.000062%); highest among the groups gnomAD compares: African/African-American, 0.0013%; no homozygotes.

Submissions (2):

Labcorp Genetics (formerly Invitae), Labcorp
Classification: Uncertain significance for Familial cancer of breast. Last evaluated: 2024-05-21. Review status: criteria provided, single submitter. Criteria: Invitae Variant Classification Sherloc (09022015). Collection method: clinical testing. Allele origin: germline.
Comment: This sequence change replaces asparagine, which is neutral and polar, with serine, which is neutral and polar, at codon 497 of the PALB2 protein (p.Asn497Ser). This variant is not present in population databases (gnomAD no frequency). This variant has not been reported in the literature in individuals affected with PALB2-related conditions. ClinVar contains an entry for this variant (Variation ID: 2056605). Advanced modeling of protein sequence and biophysical properties (such as structural, functional, and spatial information, amino acid conservation, physicochemical variation, residue mobility, and thermodynamic stability) performed at Invitae indicates that this missense variant is not expected to disrupt PALB2 protein function with a negative predictive value of 80%. In summary, the available evidence is currently insufficient to determine the role of this variant in disease. Therefore, it has been classified as a Variant of Uncertain Significance.

Ambry Genetics
Classification: Likely benign for Hereditary cancer-predisposing syndrome. Last evaluated: 2024-01-29. Review status: criteria provided, single submitter. Criteria: Ambry Variant Classification Scheme 2023. Collection method: clinical testing. Allele origin: germline.